The following is an entry in ClinVar:

NM_003070.5(SMARCA2):c.732_734del (p.Gln245del)

Gene: SMARCA2 (SWI/SNF related BAF chromatin remodeling complex subunit ATPase 2; plus strand). Cytogenetic location: 9p24.3.
Variant type: Deletion.
Coding change: c.732_734del on transcript NM_003070.5 (MANE Select); coding-DNA positions 732 to 734, 3 bases deleted (GCA; older notation c.732_734delGCA).
Protein change: p.Gln245del; deletes glutamine 245.
Molecular consequence: inframe deletion.
Genome position (GRCh38, 1-based): chr9:2,039,842-2,039,844, GCA deleted. VCF-style (leftmost placement, unchanged base first): chr9-2039841-CGCA-C. GRCh37 (hg19) VCF-style: chr9-2039841-CGCA-C.
Other names: c.732_734del, p.Gln245del (NM_001289396.2, NM_001289397.2, NM_139045.4); short protein forms Q245del.
Identifiers: ClinVar variation 4856915 (VCV004856915.2).
Genomic context (GRCh38, chr9:2,039,841, plus strand): 5'-AGCAGCAGCAGCAGCAGCAGCAGCAGCAGCAGCAGCAACAGCAGCCGCAGCAGCAGCCGC[CGCA>C]ACCACAGACGCAGCAACAACAGCAGCCGGCCCTTGTTAACTACAACAGACCATCTGGTAG-3'

ClinVar aggregate classification (germline): Uncertain significance (1 of 4 stars; one submission).

Submission:

Dasa
Classification: Uncertain significance. Last evaluated: 2025-09-13. Review status: criteria provided, single submitter. Criteria: DASA Assertion Criteria. Collection method: clinical testing. Allele origin: germline.
Comment: NM_003070.5(SMARCA2):c.732_734del (p.Gln245del) is an in-frame deletion predicted to remove glutamine at protein position 245 without shifting the reading frame. This variant is rare in population databases. The currently available literature and clinical evidence are not sufficient to establish a definitive association between this variant and the reported condition. Therefore, this variant is classified as a variant of uncertain significance.